The following is an entry in ClinVar:

ClinVar aggregate classification (germline): Uncertain significance. Review status: criteria provided, multiple submitters, no conflicts (2 of 4 stars). 2 submissions from 2 submitters: Uncertain significance (2). Last evaluated 2026-04-21.

gnomAD v4.1: 3 of 1,211,651 alleles (0.00025%); highest among the groups gnomAD compares: Admixed American, 0.0044%; no homozygotes.

Submissions (2):

Greenwood Genetic Center Diagnostic Laboratories, Greenwood Genetic Center
Classification: Uncertain significance. Last evaluated: 2026-04-21. Review status: criteria provided, single submitter. Criteria: ACMG Guidelines, 2015. Collection method: clinical testing. Allele origin: germline.
Comment: PM2, PP2

Labcorp Genetics (formerly Invitae), Labcorp
Classification: Uncertain significance. Last evaluated: 2025-06-01. Review status: criteria provided, single submitter. Criteria: Invitae Variant Classification Sherloc (09022015). Collection method: clinical testing. Allele origin: germline.
Comment: This sequence change replaces methionine, which is neutral and non-polar, with threonine, which is neutral and polar, at codon 712 of the TAF1 protein (p.Met712Thr). This variant is present in population databases (rs773153467, gnomAD 0.02%). This variant has not been reported in the literature in individuals affected with TAF1-related conditions. Invitae Evidence Modeling of protein sequence and biophysical properties (such as structural, functional, and spatial information, amino acid conservation, physicochemical variation, residue mobility, and thermodynamic stability) indicates that this missense variant is not expected to disrupt TAF1 protein function with a negative predictive value of 80%. In summary, the available evidence is currently insufficient to determine the role of this variant in disease. Therefore, it has been classified as a Variant of Uncertain Significance.

NM_004606.5(TAF1):c.2075T>C (p.Met692Thr)

Gene: TAF1 (TATA-box binding protein associated factor 1; plus strand). Cytogenetic location: Xq13.1.
Variant type: single nucleotide variant.
Coding change: c.2075T>C on transcript NM_004606.5 (MANE Select); coding-DNA position 2075, T replaced by C.
Protein change: p.Met692Thr; replaces methionine 692 with threonine.
Molecular consequence: missense variant. On other transcripts: non-coding transcript variant (9).
Genome position (GRCh38, 1-based): chrX:71,384,089, T>C. VCF-style: chrX-71384089-T-C. GRCh37 (hg19) VCF-style: chrX-70603939-T-C.
Other names: c.2012T>C, p.Met671Thr (NM_138923.4, NM_001440854.1); c.2075T>C, p.Met692Thr (NM_001286074.2, NM_001440852.1, NM_001440853.1); short protein forms M671T, M692T.
Identifiers: ClinVar variation 4807672 (VCV004807672.2).